The following is an entry in ClinVar:

ClinVar aggregate classification (germline): Conflicting classifications of pathogenicity. Review status: criteria provided, conflicting classifications (1 of 4 stars). 5 submissions from 5 submitters: Uncertain significance (1); Benign (3). 1 of the submissions does not count toward it. Last evaluated 2026-02-01.

Conditions:
Congenital nephrotic syndrome. Also called: Familial nephrotic syndrome. Identifiers: MedGen C3501848, MeSH C535761, MONDO:0002350, HP:0008677.
Focal segmental glomerulosclerosis (FSGS). Also called: Glomerulosclerosis, focal; Focal sclerosis with hyalinosis. Identifiers: MedGen C0017668, MONDO:0100313, HP:0000097. Disease mechanism: loss of function.
Finnish congenital nephrotic syndrome (NPHS1). Also called: NEPHROTIC SYNDROME, TYPE 1. Identifiers: Orphanet 839, MedGen C0403399, MONDO:0009732, OMIM 256300.

Allele frequency attached by ClinVar (database versions not stated): gnomAD exomes 0.00041 and 0.00128; ESP Exome Variant Server 0.00054; gnomAD 0.00057 and 0.00084; TOPMed 0.00080; ExAC 0.00132; 1000 Genomes Project 0.00559; 1000 Genomes Project 30x 0.00640.
gnomAD v4.1: 815 of 1,614,008 alleles (0.05%); highest among the groups gnomAD compares: East Asian, 0.67%; 13 homozygotes.

Submissions (5):

Labcorp Genetics (formerly Invitae), Labcorp
Classification: Benign. Last evaluated: 2026-02-01. Review status: criteria provided, single submitter. Criteria: Invitae Variant Classification Sherloc (09022015). Collection method: clinical testing. Allele origin: germline.

CeGaT Center for Human Genetics Tuebingen
Classification: Benign. Last evaluated: 2023-02-01. Review status: criteria provided, single submitter. Criteria: CeGaT Center For Human Genetics Tuebingen Variant Classification Criteria Version 2. Collection method: clinical testing. Allele origin: germline. Affected: yes. Observed: 1 variant allele.
Comment: NPHS1: BP4, BP7, BS1, BS2

Genome Diagnostics Laboratory, The Hospital for Sick Children
Classification: Benign for Focal segmental glomerulosclerosis. Last evaluated: 2022-05-10. Review status: criteria provided, single submitter. Criteria: ACMG Guidelines, 2015. Collection method: clinical testing. Allele origin: germline.

Illumina Laboratory Services, Illumina
Classification: Uncertain significance for Congenital nephrotic syndrome. Last evaluated: 2018-01-12. Review status: criteria provided, single submitter. Criteria: ICSL Variant Classification Criteria 13 December 2019. Collection method: clinical testing. Allele origin: germline.

Natera, Inc.
Classification: Benign for Finnish congenital nephrotic syndrome. Last evaluated: 2019-12-18. Review status: no assertion criteria provided. Collection method: clinical testing. Allele origin: germline. Not counted in ClinVar's aggregate classification.

NM_004646.4(NPHS1):c.151C>T (p.Leu51=)

Genes: KIRREL2 (kirre like nephrin family adhesion molecule 2; plus strand), NPHS1 (NPHS1 adhesion molecule, nephrin; minus strand). Cytogenetic location: 19q13.12.
Variant type: single nucleotide variant.
Coding change: c.151C>T on transcript NM_004646.4 (MANE Select); coding-DNA position 151, C replaced by T.
Protein change: p.Leu51=; no amino-acid change (leucine 51 retained).
Molecular consequence: synonymous variant.
Genome position (GRCh38, 1-based): chr19:35,851,580, G>A on the plus strand (C>T on the coding strand, the complement: NPHS1 is on the minus strand). VCF-style: chr19-35851580-G-A. GRCh37 (hg19) VCF-style: chr19-36342482-G-A.
Identifiers: ClinVar variation 328882 (VCV000328882.42), dbSNP rs114385015, ClinGen allele CA9390896.